The following is an entry in ClinVar:

ClinVar aggregate classification (germline): Pathogenic (1 of 4 stars; one submission).

Conditions:
Familial cancer of breast. Also called: hereditary breast carcinoma; BREAST CANCER, FAMILIAL; Hereditary breast cancer. Identifiers: Orphanet 227535, MedGen C0346153, MONDO:0016419, OMIM 114480. Disease mechanism: loss of function.

Submission:

Labcorp Genetics (formerly Invitae), Labcorp
Classification: Pathogenic for Familial cancer of breast. Last evaluated: 2021-03-12. Review status: criteria provided, single submitter. Criteria: Invitae Variant Classification Sherloc (09022015). Collection method: clinical testing. Allele origin: germline.
Comment: This sequence change creates a premature translational stop signal (p.Ile1037Glufs*14) in the PALB2 gene. It is expected to result in an absent or disrupted protein product. Loss-of-function variants in PALB2 are known to be pathogenic (PMID: 17200668, 24136930, 25099575). This variant is not present in population databases (ExAC no frequency). This variant has not been reported in the literature in individuals with PALB2-related conditions. For these reasons, this variant has been classified as Pathogenic.

Literature cited by the submitters: PubMed 17200668; PubMed 24136930; PubMed 25099575.

NM_024675.4(PALB2):c.3108_3112del (p.Ile1037fs)

Gene: PALB2 (partner and localizer of BRCA2; minus strand). Cytogenetic location: 16p12.2.
Variant type: Deletion.
Coding change: c.3108_3112del on transcript NM_024675.4 (MANE Select); coding-DNA positions 3108 to 3112, 5 bases deleted (TATTT; older notation c.3108_3112delTATTT).
Protein change: p.Ile1037fs; shifts the reading frame from isoleucine 1037.
Molecular consequence: frameshift variant.
Genome position (GRCh38, 1-based): chr16:23,621,363-23,621,367, AAATA deleted on the plus strand (TATTT on the coding strand, the reverse complement: PALB2 is on the minus strand); deleting any 5 consecutive bases within chr16:23,621,363-23,621,368 gives the same sequence; the c. name uses the placement nearest the transcript's 3' end. VCF-style (leftmost placement, unchanged base first): chr16-23621362-CAAATA-C. GRCh37 (hg19) VCF-style: chr16-23632683-CAAATA-C.
Other names: short protein forms I1037fs.
Identifiers: ClinVar variation 1439382 (VCV001439382.7), dbSNP rs2142325956, ClinGen allele CA2573152172.
Genomic context (GRCh38, chr16:23,621,362, plus strand): 5'-ATTAGAGGTATATCCTCATACTACAGATGAGGGAACTGAGGACCTAGAGGGAAAGCTTAC[CAAATA>C]ACAATGTTGTTCATAATAGTAGTACCAAGCAGAGCTTCTTGCATCCCTTGGACCTCAGCA-3'